The following is an entry in ClinVar:

ClinVar aggregate classification (germline): Uncertain significance (1 of 4 stars; one submission).

Conditions:
Cardiomyopathy (CMYO). Also called: Cardiomyopathies. Identifiers: Orphanet 167848, MedGen C0878544, MONDO:0004994, HP:0001638. Inheritance: Various modes of inheritance.

Submission:

Color Diagnostics, LLC DBA Color Health
Classification: Uncertain significance for Cardiomyopathy. Last evaluated: 2019-11-05. Review status: criteria provided, single submitter. Criteria: ACMG Guidelines, 2015. Collection method: clinical testing. Allele origin: germline.
Comment: This variant causes a T>A nucleotide substitution at the -7 position of intron 63 of the RYR2 gene. Splice site prediction tools and conservation analysis are inconclusive regarding the impact of this variant on RNA splicing. To our knowledge, functional studies have not been performed for this variant. This variant has not been reported in individuals affected with cardiovascular disorders in the literature. This variant has not been identified in the general population by the Genome Aggregation Database (gnomAD). The available evidence is insufficient to determine the role of this variant in disease conclusively. Therefore, this variant is classified as a Variant of Uncertain Significance.

NM_001035.3(RYR2):c.9068-7T>A

Gene: RYR2 (ryanodine receptor 2; plus strand). Cytogenetic location: 1q43.
Variant type: single nucleotide variant.
Coding change: c.9068-7T>A on transcript NM_001035.3 (MANE Select); 7 bases into the intron before coding-DNA position 9068, T replaced by A.
Molecular consequence: intron variant.
Genome position (GRCh38, 1-based): chr1:237,698,958, T>A. VCF-style: chr1-237698958-T-A. GRCh37 (hg19) VCF-style: chr1-237862258-T-A.
Identifiers: ClinVar variation 920003 (VCV000920003.3), dbSNP rs1687728418, ClinGen allele CA1139656694.